The following is an entry in ClinVar:

ClinVar aggregate classification (germline): Pathogenic (1 of 4 stars; one submission).

Conditions:
Ehlers-Danlos syndrome, type 4 (EDSVASC). Also called: Ehlers-Danlos syndrome vascular type; Ehlers Danlos syndrome, ecchymotic type; Ehlers Danlos syndrome, arterial type; Ehlers Danlos syndrome, Sack-Barabas type; Ehlers-Danlos Syndrome Type IV. Identifiers: Orphanet 286, MedGen C0268338, MONDO:0017314, OMIM 130050.

Submission:

Labcorp Genetics (formerly Invitae), Labcorp
Classification: Pathogenic for Ehlers-Danlos syndrome, type 4. Last evaluated: 2022-08-16. Review status: criteria provided, single submitter. Criteria: Invitae Variant Classification Sherloc (09022015). Collection method: clinical testing. Allele origin: germline.
Comment: For these reasons, this variant has been classified as Pathogenic. This variant disrupts a region of the COL3A1 protein in which other variant(s) (p.Phe1456Leu) have been determined to be pathogenic (Invitae). This suggests that this is a clinically significant region of the protein, and that variants that disrupt it are likely to be disease-causing. ClinVar contains an entry for this variant (Variation ID: 643968). This premature translational stop signal has been observed in individual(s) with clinical features of vascular Ehlers-Danlos syndrome (PMID: 31126764). This variant is not present in population databases (gnomAD no frequency). This sequence change creates a premature translational stop signal (p.Gln1454*) in the COL3A1 gene. While this is not anticipated to result in nonsense mediated decay, it is expected to disrupt the last 13 amino acid(s) of the COL3A1 protein.

Literature cited by the submitters: PubMed 31126764.

NM_000090.4(COL3A1):c.4360C>T (p.Gln1454Ter)

Gene: COL3A1 (collagen type III alpha 1 chain; plus strand). Cytogenetic location: 2q32.2.
Variant type: single nucleotide variant.
Coding change: c.4360C>T on transcript NM_000090.4 (MANE Select); coding-DNA position 4360, C replaced by T.
Protein change: p.Gln1454Ter; replaces glutamine 1454 with a stop codon.
Molecular consequence: nonsense.
Genome position (GRCh38, 1-based): chr2:189,011,733, C>T. VCF-style: chr2-189011733-C-T. GRCh37 (hg19) VCF-style: chr2-189876459-C-T.
Other names: short protein forms Q1454*.
Identifiers: ClinVar variation 643968 (VCV000643968.7), dbSNP rs1576474929, ClinGen allele CA349850418.
Genomic context (GRCh38, chr2:189,011,733, plus strand): 5'-CGCAAGGCTGTGAGACTACCTATTGTAGATATTGCACCCTATGACATTGGTGGTCCTGAT[C>T]AAGAATTTGGTGTGGACGTTGGCCCTGTTTGCTTTTTATAAACCAAACTCTATCTGAAAT-3'